The following is an entry in ClinVar:

ClinVar aggregate classification (germline): Pathogenic (1 of 4 stars; one submission).

Submission:

Labcorp Genetics (formerly Invitae), Labcorp
Classification: Pathogenic. Last evaluated: 2021-07-03. Review status: criteria provided, single submitter. Criteria: Invitae Variant Classification Sherloc (09022015). Collection method: clinical testing. Allele origin: germline.
Comment: This variant is not present in population databases (ExAC no frequency). This variant has not been reported in the literature in individuals affected with TSFM-related conditions. Algorithms developed to predict the effect of sequence changes on RNA splicing suggest that this variant may create or strengthen a splice site. For these reasons, this variant has been classified as Pathogenic. This sequence change creates a premature translational stop signal (p.Ala20Leufs*32) in the TSFM gene. It is expected to result in an absent or disrupted protein product. Loss-of-function variants in TSFM are known to be pathogenic (PMID: 17033963, 20435138, 25037205, 27677415).

Literature cited by the submitters: PubMed 17033963; PubMed 20435138; PubMed 25037205; PubMed 27677415.

NC_000012.12:g.57783110del

Gene: TSFM (Ts translation elongation factor, mitochondrial; plus strand). Cytogenetic location: 12q14.1.
Variant type: Deletion.
Genome position: GRCh38 VCF-style: chr12-57783108-AG-A. GRCh37 (hg19) VCF-style: chr12-58176891-AG-A.
Identifiers: ClinVar variation 1354493 (VCV001354493.6), dbSNP rs1955535130, ClinGen allele CA948107782.
Genomic context (GRCh38, chr12:57,783,108, plus strand): 5'-GTACCCTTCACCCTCTGGAGTTTGCTGCTTCCTGCTCCTCATCCCTTTCTTATCTCATCT[AG>A]GCTGGGTCTCTTCTGCGTCAGTCGCCCCAGCCAAGGCACACATTTTATGCTGGGCCCCGT-3'